The following is an entry in ClinVar:

ClinVar aggregate classification (germline): Uncertain significance. Review status: criteria provided, multiple submitters, no conflicts (2 of 4 stars). 2 submissions from 2 submitters: Uncertain significance (2). Last evaluated 2022-06-27.

Conditions:
Neuronal ceroid lipofuscinosis. Also called: Neuronal Ceroid Lipofuscinoses. Identifiers: Orphanet 216, Orphanet 79263, MedGen C0027877, MONDO:0016295. Disease mechanism: loss of function.

Allele frequency attached by ClinVar (database versions not stated): TOPMed below 0.00001; gnomAD 0.00001; gnomAD exomes 0.00001; ExAC 0.00002.
gnomAD v4.1: 5 of 1,613,724 alleles (0.00031%); highest among the groups gnomAD compares: Admixed American, 0.0083%; no homozygotes.

Submissions (2):

Labcorp Genetics (formerly Invitae), Labcorp
Classification: Uncertain significance for Neuronal ceroid lipofuscinosis. Last evaluated: 2022-06-27. Review status: criteria provided, single submitter. Criteria: Invitae Variant Classification Sherloc (09022015). Collection method: clinical testing. Allele origin: germline.
Comment: This sequence change replaces serine, which is neutral and polar, with isoleucine, which is neutral and non-polar, at codon 194 of the CLN6 protein (p.Ser194Ile). This variant is present in population databases (rs777142645, gnomAD 0.01%). This variant has not been reported in the literature in individuals affected with CLN6-related conditions. ClinVar contains an entry for this variant (Variation ID: 422300). Algorithms developed to predict the effect of missense changes on protein structure and function are either unavailable or do not agree on the potential impact of this missense change (SIFT: "Deleterious"; PolyPhen-2: "Possibly Damaging"; Align-GVGD: "Class C0"). Algorithms developed to predict the effect of sequence changes on RNA splicing suggest that this variant may disrupt the consensus splice site. In summary, the available evidence is currently insufficient to determine the role of this variant in disease. Therefore, it has been classified as a Variant of Uncertain Significance.

GeneDx
Classification: Uncertain significance. Last evaluated: 2016-09-23. Review status: criteria provided, single submitter. Criteria: GeneDx Variant Classification (06012015). Collection method: clinical testing. Allele origin: germline. Affected: yes.
Comment: A variant of uncertain significance has been identified in the CLN6 gene. The S194I variant has not been published as a pathogenic variant, nor has it been reported as a benign variant to our knowledge. It was not observed in approximately 6,500 individuals of European and African American ancestry in the NHLBI Exome Sequencing Project, indicating it is not a common benign variant in these populations. The S194I variant is a non-conservative amino acid substitution, which is likely to impact secondary protein structure as these residues differ in polarity, charge, size, and/or other properties. This substitution occurs at a position where amino acids with similar properties to Serine are tolerated across species. In silico analysis predicts this variant is probably damaging to the protein structure/function. Based on the currently available information, it is unclear whether this variant is a pathogenic variant or a rare benign variant.

NM_017882.3(CLN6):c.581G>T (p.Ser194Ile)

Gene: CLN6 (CLN6 transmembrane ER protein; minus strand). Cytogenetic location: 15q23.
Variant type: single nucleotide variant.
Coding change: c.581G>T on transcript NM_017882.3 (MANE Select); coding-DNA position 581, G replaced by T.
Protein change: p.Ser194Ile; replaces serine 194 with isoleucine.
Molecular consequence: missense variant.
Genome position (GRCh38, 1-based): chr15:68,209,721, C>A on the plus strand (G>T on the coding strand, the complement: CLN6 is on the minus strand). VCF-style: chr15-68209721-C-A. GRCh37 (hg19) VCF-style: chr15-68502059-C-A.
Other names: short protein forms S194I.
Identifiers: ClinVar variation 422300 (VCV000422300.7), dbSNP rs777142645, ClinGen allele CA7630532.